The following is an entry in ClinVar:

ClinVar aggregate classification (germline): Uncertain significance (1 of 4 stars; one submission).

Submission:

GeneDx
Classification: Uncertain significance. Last evaluated: 2025-06-25. Review status: criteria provided, single submitter. Criteria: GeneDx Variant Classification Process June 2021. Collection method: clinical testing. Allele origin: germline. Affected: yes.
Comment: Not observed at significant frequency in large population cohorts (gnomAD); In silico analysis supports that this missense variant has a deleterious effect on protein structure/function; Has not been previously published as pathogenic or benign to our knowledge

NM_005901.6(SMAD2):c.497A>G (p.His166Arg)

Gene: SMAD2 (SMAD family member 2; minus strand). Cytogenetic location: 18q21.1.
Variant type: single nucleotide variant.
Coding change: c.497A>G on transcript NM_005901.6 (MANE Select); coding-DNA position 497, A replaced by G.
Protein change: p.His166Arg; replaces histidine 166 with arginine.
Molecular consequence: missense variant.
Genome position (GRCh38, 1-based): chr18:47,869,266, T>C on the plus strand (A>G on the coding strand, the complement: SMAD2 is on the minus strand). VCF-style: chr18-47869266-T-C. GRCh37 (hg19) VCF-style: chr18-45395637-T-C.
Other names: c.497A>G, p.His166Arg (NM_001003652.4); c.407A>G, p.His136Arg (NM_001135937.3); short protein forms H136R, H166R.
Identifiers: ClinVar variation 4540396 (VCV004540396.1).
Genomic context (GRCh38, chr18:47,869,266, plus strand): 5'-AATTCAAAACCAAGAAAAAAACTTGCAATATTCCTACCTGGTGTCTCAACTCTCTGATAG[T>C]GGTAAGGGTTTACACATACTTCATCCTTTTTAAGATTAAAAGCATATTCGCAGTTTTCAA-3'
Protein context (NP_005892.1, residues 156-176): KKDEVCVNPY[His166Arg]YQRVETPVLP